The following is an entry in ClinVar:

NM_024753.5(TTC21B):c.2104A>G (p.Arg702Gly)

Gene: TTC21B (tetratricopeptide repeat domain 21B; minus strand). Cytogenetic location: 2q24.3.
Variant type: single nucleotide variant.
Coding change: c.2104A>G on transcript NM_024753.5 (MANE Select); coding-DNA position 2104, A replaced by G.
Protein change: p.Arg702Gly; replaces arginine 702 with glycine.
Molecular consequence: missense variant.
Genome position (GRCh38, 1-based): chr2:165,915,235, T>C on the plus strand (A>G on the coding strand, the complement: TTC21B is on the minus strand). VCF-style: chr2-165915235-T-C. GRCh37 (hg19) VCF-style: chr2-166771745-T-C.
Other names: short protein forms R702G.
Identifiers: ClinVar variation 3383742 (VCV003383742.1).

ClinVar aggregate classification (germline): Uncertain significance (1 of 4 stars; one submission).

gnomAD v4.1: 4 of 1,613,914 alleles (0.00025%); highest among the groups gnomAD compares: South Asian, 0.0044%; no homozygotes.

Submission:

GeneDx
Classification: Uncertain significance. Last evaluated: 2024-05-30. Review status: criteria provided, single submitter. Criteria: GeneDx Variant Classification Process June 2021. Collection method: clinical testing. Allele origin: germline. Affected: yes.
Comment: Not observed at significant frequency in large population cohorts (gnomAD); In silico analysis supports that this missense variant has a deleterious effect on protein structure/function; Has not been previously published as pathogenic or benign to our knowledge